The following is an entry in ClinVar:

ClinVar aggregate classification (germline): Conflicting classifications of pathogenicity. Review status: criteria provided, conflicting classifications (1 of 4 stars). 3 submissions from 3 submitters: Uncertain significance (2); Benign (1). Last evaluated 2025-09-05.

Conditions:
Norman-Roberts syndrome (LIS2). Also called: Lissencephaly 2 (Norman-Roberts type). Identifiers: Orphanet 89844, MedGen C0796089, MONDO:0009760, OMIM 257320.
Familial temporal lobe epilepsy 7. Identifiers: Orphanet 101046, MedGen C4225327, MONDO:0014639, OMIM 616436.
Inborn genetic diseases. Identifiers: MedGen C0950123, MeSH D030342.

Allele frequency attached by ClinVar (database versions not stated): gnomAD exomes 0.00001 and 0.00002; ExAC 0.00004; ESP Exome Variant Server 0.00008; gnomAD 0.00010 and 0.00012; TOPMed 0.00014.
gnomAD v4.1: 25 of 1,613,974 alleles (0.0015%); highest among the groups gnomAD compares: African/African-American, 0.031%; no homozygotes.

Submissions (3):

Ambry Genetics
Classification: Uncertain significance for Inborn genetic diseases. Last evaluated: 2025-09-05. Review status: criteria provided, single submitter. Criteria: Ambry Variant Classification Scheme 2023. Collection method: clinical testing. Allele origin: germline.

Labcorp Genetics (formerly Invitae), Labcorp
Classification: Benign for Familial temporal lobe epilepsy 7; Norman-Roberts syndrome. Last evaluated: 2025-01-14. Review status: criteria provided, single submitter. Criteria: Invitae Variant Classification Sherloc (09022015). Collection method: clinical testing. Allele origin: germline.

Laboratorio de Genetica e Diagnostico Molecular, Hospital Israelita Albert Einstein
Classification: Uncertain significance. Last evaluated: 2020-10-30. Review status: criteria provided, single submitter. Criteria: ACMG Guidelines, 2015. Collection method: clinical testing. Allele origin: germline. Affected: yes.
Comment: ACMG classification criteria: PM2, BP4

NM_005045.4(RELN):c.6200C>T (p.Ser2067Phe)

Gene: RELN (reelin; minus strand). Cytogenetic location: 7q22.1.
Variant type: single nucleotide variant.
Coding change: c.6200C>T on transcript NM_005045.4 (MANE Select); coding-DNA position 6200, C replaced by T.
Protein change: p.Ser2067Phe; replaces serine 2067 with phenylalanine.
Molecular consequence: missense variant.
Genome position (GRCh38, 1-based): chr7:103,551,169, G>A on the plus strand (C>T on the coding strand, the complement: RELN is on the minus strand). VCF-style: chr7-103551169-G-A. GRCh37 (hg19) VCF-style: chr7-103191616-G-A.
Other names: c.6200C>T, p.Ser2067Phe (NM_173054.3); short protein forms S2067F.
Identifiers: ClinVar variation 962546 (VCV000962546.9), dbSNP rs368566543, ClinGen allele CA4421005.